The following is an entry in ClinVar:

ClinVar aggregate classification (germline): Likely pathogenic. Review status: criteria provided, single submitter (1 of 4 stars). 2 submissions from 2 submitters: Likely pathogenic (1). 1 of the submissions does not count toward it. Last evaluated 2024-05-17.

Conditions:
Spinocerebellar ataxia 48. Identifiers: Orphanet 631103, MedGen C4748158, MONDO:0032526, OMIM 618093.
Autosomal recessive spinocerebellar ataxia 16. Identifiers: Orphanet 412057, MedGen C5190574, MONDO:0014339, OMIM 615768.

Submissions (2):

Human Genetics Bochum, Ruhr University Bochum
Classification: Likely pathogenic for Spinocerebellar ataxia 48. Last evaluated: 2024-05-17. Review status: criteria provided, single submitter. Criteria: ACMG Guidelines, 2015. Collection method: clinical testing. Allele origin: germline. Affected: yes.
Comment: ACMG criteria used to clasify this variant: PP3_STR, PM2_SUP, PP2

OMIM
Classification: Pathogenic for SPINOCEREBELLAR ATAXIA, AUTOSOMAL RECESSIVE 16. Last evaluated: 2014-04-17. Review status: no assertion criteria provided. Collection method: literature only. Allele origin: germline. Not counted in ClinVar's aggregate classification.

Literature cited by the submitters: PubMed 24742043 (cited by OMIM).

NM_005861.4(STUB1):c.236C>A (p.Ala79Asp)

Gene: STUB1 (STIP1 homology and U-box containing protein 1; plus strand). Cytogenetic location: 16p13.3.
Variant type: single nucleotide variant.
Coding change: c.236C>A on transcript NM_005861.4 (MANE Select); coding-DNA position 236, C replaced by A.
Protein change: p.Ala79Asp; replaces alanine 79 with aspartic acid.
Molecular consequence: missense variant.
Genome position (GRCh38, 1-based): chr16:681,228, C>A. VCF-style: chr16-681228-C-A. GRCh37 (hg19) VCF-style: chr16-731228-C-A.
Other names: c.20C>A, p.Ala7Asp (NM_001293197.2); short protein forms A79D, A7D.
Identifiers: ClinVar variation 127150 (VCV000127150.2), dbSNP rs587777347, ClinGen allele CA151396.
Genomic context (GRCh38, chr16:681,228, plus strand): 5'-TGGCCGTGTATTACACCAACCGGGCCTTGTGCTACCTGAAGATGCAGCAGCACGAGCAGG[C>A]CCTGGCCGACTGCCGGCGCGCCCTGGAGCTGGACGGGCAGTCTGTGAAGGCGCACTTCTT-3'
Protein context (NP_005852.2, residues 69-89): CYLKMQQHEQ[Ala79Asp]LADCRRALEL